The following is an entry in ClinVar:

ClinVar aggregate classification (germline): Uncertain significance (1 of 4 stars; one submission).

Submission:

GeneDx
Classification: Uncertain significance. Last evaluated: 2023-12-22. Review status: criteria provided, single submitter. Criteria: GeneDx Variant Classification Process June 2021. Collection method: clinical testing. Allele origin: germline. Affected: yes.
Comment: Not observed at significant frequency in large population cohorts (gnomAD); In silico analysis supports that this missense variant has a deleterious effect on protein structure/function; Has not been previously published as pathogenic or benign to our knowledge

NM_001127222.2(CACNA1A):c.1654T>G (p.Cys552Gly)

Gene: CACNA1A (calcium voltage-gated channel subunit alpha1 A; minus strand). Cytogenetic location: 19p13.13.
Variant type: single nucleotide variant.
Coding change: c.1654T>G on transcript NM_001127222.2 (MANE Select); coding-DNA position 1654, T replaced by G.
Protein change: p.Cys552Gly; replaces cysteine 552 with glycine.
Molecular consequence: missense variant.
Genome position (GRCh38, 1-based): chr19:13,312,683, A>C on the plus strand (T>G on the coding strand, the complement: CACNA1A is on the minus strand). VCF-style: chr19-13312683-A-C. GRCh37 (hg19) VCF-style: chr19-13423497-A-C.
Other names: c.1657T>G, p.Cys553Gly (NM_001127221.2, NM_001174080.2, NM_023035.3 and 1 more transcripts); short protein forms C552G, C553G.
Identifiers: ClinVar variation 3367222 (VCV003367222.1).